The following is an entry in ClinVar:

ClinVar aggregate classification (germline): Uncertain significance (1 of 4 stars; one submission).

Submission:

Labcorp Genetics (formerly Invitae), Labcorp
Classification: Uncertain significance. Last evaluated: 2024-08-04. Review status: criteria provided, single submitter. Criteria: Invitae Variant Classification Sherloc (09022015). Collection method: clinical testing. Allele origin: germline.
Comment: This sequence change replaces glycine, which is neutral and non-polar, with glutamic acid, which is acidic and polar, at codon 287 of the SRCAP protein (p.Gly287Glu). This variant is present in population databases (rs758980895, gnomAD 0.003%). This variant has not been reported in the literature in individuals affected with SRCAP-related conditions. Advanced modeling of protein sequence and biophysical properties (such as structural, functional, and spatial information, amino acid conservation, physicochemical variation, residue mobility, and thermodynamic stability) performed at Invitae indicates that this missense variant is not expected to disrupt SRCAP protein function with a negative predictive value of 80%. In summary, the available evidence is currently insufficient to determine the role of this variant in disease. Therefore, it has been classified as a Variant of Uncertain Significance.

NM_006662.3(SRCAP):c.860G>A (p.Gly287Glu)

Gene: SRCAP (Snf2 related CREBBP activator protein; plus strand). Cytogenetic location: 16p11.2.
Variant type: single nucleotide variant.
Coding change: c.860G>A on transcript NM_006662.3 (MANE Select); coding-DNA position 860, G replaced by A.
Protein change: p.Gly287Glu; replaces glycine 287 with glutamic acid.
Molecular consequence: missense variant.
Genome position (GRCh38, 1-based): chr16:30,709,854, G>A. VCF-style: chr16-30709854-G-A. GRCh37 (hg19) VCF-style: chr16-30721175-G-A.
Other names: short protein forms G287E.
Identifiers: ClinVar variation 3608269 (VCV003608269.2).